The following is an entry in ClinVar:

ClinVar aggregate classification (germline): Pathogenic/Likely pathogenic. Review status: criteria provided, multiple submitters, no conflicts (2 of 4 stars). 4 submissions from 4 submitters: Pathogenic (1); Likely pathogenic (3). Last evaluated 2026-02-14.

Conditions:
Cardiovascular phenotype. Identifiers: MedGen CN230736.
Dilated cardiomyopathy 1G (CMD1G). Identifiers: Orphanet 154, MedGen C1858763, MONDO:0011400, OMIM 604145.
Autosomal recessive limb-girdle muscular dystrophy type 2J (LGMDR10). Also called: Limb-girdle muscular dystrophy, type 2J; MUSCULAR DYSTROPHY, LIMB-GIRDLE, AUTOSOMAL RECESSIVE 10. Identifiers: Orphanet 140922, MedGen C1837342, MONDO:0012127, OMIM 608807.
TTN-related disorder. Also called: TTN-related disorders; TTN-related condition; TTN-related disease.
Primary dilated cardiomyopathy (DCM). Also called: Dilated Cardiomyopathy. Identifiers: Orphanet 217604, MedGen C0007193, MeSH D002311, MONDO:0005021, HP:0001644. Inheritance: Various modes of inheritance.

gnomAD v4.1: 2 of 1,613,790 alleles (0.00012%); highest among the groups gnomAD compares: African/African-American, 0.0013%; no homozygotes.

Submissions (4):

PreventionGenetics, part of Exact Sciences
Classification: Likely pathogenic for TTN-related condition. Last evaluated: 2026-02-14. Review status: criteria provided, single submitter. Criteria: ACMG Guidelines, 2015. Collection method: clinical testing. Allele origin: germline.
Comment: The TTN c.97972C>T variant is predicted to result in premature protein termination (p.Arg32658*). To our knowledge, this variant has not been reported in the literature or in a large population database (gnomAD), indicating this variant is rare. This variant is located in the A-band region of the protein in which truncating TTN variants have been found more frequently in dilated cardiomyopathy patients than in controls (Herman et al. 2012. PubMed ID: 22335739). RNAseq studies from heart tissue indicate this exon is commonly included in TTN mRNA transcripts (PSI of 100%, Roberts et al. 2015. PubMed ID: 25589632). TTN loss-of-function variants occurring in constitutively expressed exons (PSI > 90%) are more likely to be disease causing for TTN cardiac-related disorders regardless of band location (Roberts et al. 2015. PubMed ID: 25589632; Schafer et al. 2017. PubMed ID: 27869827; Akhtar et al. 2020. PubMed ID: 32964742). Many cases of recessive TTN-related myopathies in which the individual is compound heterozygous for two loss-of-function variants in TTN have also been reported (Oates et al. 2018. PubMed ID: 29691892; Ge et al. 2019. PubMed ID: 31053406; Rees et al. 2021. PubMed ID: 33449170). In summary, this variant is categorized as likely pathogenic. Of note, this variant is considered likely pathogenic for increased risk of TTN-related cardiac disorders, and also for autosomal recessive TTN-related congenital titinopathies.

Labcorp Genetics (formerly Invitae), Labcorp
Classification: Pathogenic for Dilated cardiomyopathy 1G; Autosomal recessive limb-girdle muscular dystrophy type 2J. Last evaluated: 2025-11-23. Review status: criteria provided, single submitter. Criteria: Invitae Variant Classification Sherloc (09022015). Collection method: clinical testing. Allele origin: germline.
Comment: This sequence change creates a premature translational stop signal (p.Arg32658*) in the TTN gene. While this is not anticipated to result in nonsense mediated decay, it is expected to create a truncated TTN protein. This variant is not present in population databases (gnomAD no frequency). This premature translational stop signal has been observed in individuals with dilated cardiomyopathy (internal data). ClinVar contains an entry for this variant (Variation ID: 2562241). This variant is located in the A band of TTN (PMID: 25589632). Truncating variants in this region are significantly overrepresented in patients affected with dilated cardiomyopathy (PMID: 25589632). Truncating variants in this region have also been reported in individuals affected with autosomal recessive centronuclear myopathy (PMID: 23975875). For these reasons, this variant has been classified as Pathogenic.

Ambry Genetics
Classification: Likely pathogenic for Cardiovascular phenotype. Last evaluated: 2025-09-30. Review status: criteria provided, single submitter. Criteria: Ambry Variant Classification Scheme 2023. Collection method: clinical testing. Allele origin: germline.
Comment: The p.R23593* variant (also known as c.70777C>T), located in coding exon 178 of the TTN gene, results from a C to T substitution at nucleotide position 70777. This changes the amino acid from an arginine to a stop codon within coding exon 178. This exon is located in the A-band region of the N2-B isoform of the titin protein and is constitutively expressed in TTN transcripts (percent spliced in or PSI 100%). This variant is considered to be rare based on population cohorts in the Genome Aggregation Database (gnomAD). This alteration is expected to result in loss of function by premature protein truncation or nonsense-mediated mRNA decay. While truncating variants in TTN are present in 1-3% of the general population, truncating variants in the A-band are the most common cause of dilated cardiomyopathy (DCM) (Herman DS et al. N. Engl. J. Med., 2012 Feb;366:619-28; Roberts AM et al. Sci Transl Med, 2015 Jan;7:270ra6). TTN truncating variants encoded in constitutive exons (PSI >90%) have been found to be significantly associated with DCM regardless of their position in titin (Schafer S et al. Nat. Genet., 2017 01;49:46-53). Based on the majority of available evidence to date, this variant is likely to be pathogenic.

Laboratory for Molecular Medicine, Mass General Brigham Personalized Medicine
Classification: Likely pathogenic for Primary dilated cardiomyopathy. Last evaluated: 2019-01-25. Review status: criteria provided, single submitter. Criteria: ACMG Guidelines, 2015. Collection method: clinical testing. Allele origin: germline.
Comment: The p.Arg30090X variant in TTN has not been reported in individuals with TTN-associated diseases, such as dilated cardiomyopathy and neuromuscular conditions and was absent from large population studies. This nonsense variant leads to a premature termination codon at position 30090, which is predicted to lead to a truncated or absent protein. TTN truncating variants located in exons that are highly expressed in the heart are strongly associated with autosomal dominant DCM, particularly if they are located in the A-band (Herman 2012, Pugh 2014, Roberts 2015). In addition, TTN variants have also been associated with myopathies and other neuromuscular conditions, which usually have autosomal recessive inheritance (Savarese 2016). The p.Arg30090X variant is located in the A-band. In summary, although additional studies are required to fully establish its clinical significance, this variant meets criteria to be classified as likely pathogenic for TTN-associated diseases. ACMG/AMP Criteria applied: PVS1, PM2.

Literature cited by the submitters: PubMed 25589632 (cited by Labcorp Genetics (formerly Invitae), Labcorp); PubMed 23975875 (cited by Labcorp Genetics (formerly Invitae), Labcorp).

NM_001267550.2(TTN):c.97972C>T (p.Arg32658Ter)

Genes: TTN (titin; minus strand), TTN-AS1 (TTN antisense RNA 1; plus strand). Cytogenetic location: 2q31.2.
Variant type: single nucleotide variant.
Coding change: c.97972C>T on transcript NM_001267550.2 (MANE Select); coding-DNA position 97972, C replaced by T.
Protein change: p.Arg32658Ter; replaces arginine 32658 with a stop codon.
Molecular consequence: nonsense.
Genome position (GRCh38, 1-based): chr2:178,540,194, G>A on the plus strand (C>T on the coding strand, the complement: TTN is on the minus strand). VCF-style: chr2-178540194-G-A. GRCh37 (hg19) VCF-style: chr2-179404921-G-A.
Other names: c.93049C>T, p.Arg31017Ter (NM_001256850.1); c.70777C>T, p.Arg23593Ter (NM_003319.4); c.90268C>T, p.Arg30090Ter (NM_133378.4); c.71152C>T, p.Arg23718Ter (NM_133432.3); c.71353C>T, p.Arg23785Ter (NM_133437.4); short protein forms R23785*, R23593*, R23718*, R30090*, R32658*, R31017*.
Identifiers: ClinVar variation 2562241 (VCV002562241.10), dbSNP rs879097896, ClinGen allele CA60965970.
Genomic context (GRCh38, chr2:178,540,194, plus strand): 5'-AAGCTAGGACGCGGAACCTGTATTCTGCACCCTGAGGTAGGTGTGTTAGAGTATACTCTC[G>A]AATCTTGGTTGGAGTGGTGTTACACTTGGTCCATTCATGTTGATCTACTTTTTGCATTTC-3'